The following is an entry in ClinVar:

ClinVar aggregate classification (germline): Uncertain significance (1 of 4 stars; one submission).

Conditions:
Cardiovascular phenotype. Identifiers: MedGen CN230736.

Submission:

Ambry Genetics
Classification: Uncertain significance for Cardiovascular phenotype. Last evaluated: 2026-07-02. Review status: criteria provided, single submitter. Criteria: Ambry Variant Classification Scheme 2023. Collection method: clinical testing. Allele origin: germline.
Comment: The p.Y3462H variant (also known as c.10384T>C), located in coding exon 26 of the APOB gene, results from a T to C substitution at nucleotide position 10384. The tyrosine at codon 3462 is replaced by histidine, an amino acid with similar properties. This amino acid position is conserved. In addition, the in silico prediction for this alteration is inconclusive. Based on the available evidence, the clinical significance of this variant remains unclear.

NM_000384.3(APOB):c.10384T>C (p.Tyr3462His)

Gene: APOB (apolipoprotein B; minus strand). Cytogenetic location: 2p24.1.
Variant type: single nucleotide variant.
Coding change: c.10384T>C on transcript NM_000384.3 (MANE Select); coding-DNA position 10384, T replaced by C.
Protein change: p.Tyr3462His; replaces tyrosine 3462 with histidine.
Molecular consequence: missense variant.
Genome position (GRCh38, 1-based): chr2:21,006,484, A>G on the plus strand (T>C on the coding strand, the complement: APOB is on the minus strand). VCF-style: chr2-21006484-A-G. GRCh37 (hg19) VCF-style: chr2-21229356-A-G.
Other names: short protein forms Y3462H.
Identifiers: ClinVar variation 5027425 (VCV005027425.1).